The following is an entry in ClinVar:

NM_004606.5(TAF1):c.425C>T (p.Pro142Leu)

Gene: TAF1 (TATA-box binding protein associated factor 1; plus strand). Cytogenetic location: Xq13.1.
Variant type: single nucleotide variant.
Coding change: c.425C>T on transcript NM_004606.5 (MANE Select); coding-DNA position 425, C replaced by T.
Protein change: p.Pro142Leu; replaces proline 142 with leucine.
Molecular consequence: missense variant. On other transcripts: non-coding transcript variant (9).
Genome position (GRCh38, 1-based): chrX:71,375,239, C>T. VCF-style: chrX-71375239-C-T. GRCh37 (hg19) VCF-style: chrX-70595089-C-T.
Other names: c.425C>T, p.Pro142Leu (NM_001286074.2, NM_001440852.1, NM_001440853.1 and 2 more transcripts); short protein forms P142L.
Identifiers: ClinVar variation 4994236 (VCV004994236.1).

ClinVar aggregate classification (germline): Uncertain significance (1 of 4 stars; one submission).

Conditions:
TAF1-related disorder. Also called: TAF1-related condition.

Submission:

PreventionGenetics, part of Exact Sciences
Classification: Uncertain significance for TAF1-related condition. Last evaluated: 2025-10-06. Review status: criteria provided, single submitter. Criteria: ACMG Guidelines, 2015. Collection method: clinical testing. Allele origin: germline.
Comment: The TAF1 c.485C>T variant is predicted to result in the amino acid substitution p.Pro162Leu. To our knowledge, this variant has not been reported in the literature or in a large population database (gnomAD), indicating this variant is rare. At this time, the clinical significance of this variant is uncertain due to the absence of conclusive functional and genetic evidence.